The following is an entry in ClinVar:

NM_004329.3(BMPR1A):c.629T>A (p.Ile210Asn)

Gene: BMPR1A (bone morphogenetic protein receptor type 1A; plus strand). Cytogenetic location: 10q23.2.
Variant type: single nucleotide variant.
Coding change: c.629T>A on transcript NM_004329.3 (MANE Select); coding-DNA position 629, T replaced by A.
Protein change: p.Ile210Asn; replaces isoleucine 210 with asparagine.
Molecular consequence: missense variant. On other transcripts: non-coding transcript variant (3), intron variant (1).
Genome position (GRCh38, 1-based): chr10:86,912,338, T>A. VCF-style: chr10-86912338-T-A. GRCh37 (hg19) VCF-style: chr10-88672095-T-A.
Other names: c.704T>A, p.Ile235Asn (NM_001406559.1); c.677T>A, p.Ile226Asn (NM_001406560.1); c.629T>A, p.Ile210Asn (NM_001406561.1, NM_001406562.1, NM_001406563.1 and 20 more transcripts); c.545T>A, p.Ile182Asn (NM_001406584.1, NM_001406585.1, NM_001406586.1 and 2 more transcripts); c.334-4796T>A (NM_001406589.1); short protein forms I210N, I226N, I235N, I182N.
Identifiers: ClinVar variation 5033007 (VCV005033007.1).

ClinVar aggregate classification (germline): Uncertain significance (1 of 4 stars; one submission).

Conditions:
Hereditary cancer-predisposing syndrome. Also called: Neoplastic Syndromes, Hereditary; Tumor predisposition; Hereditary neoplastic syndrome; Hereditary Cancer Syndrome. Identifiers: Orphanet 140162, MedGen C0027672, MeSH D009386, MONDO:0015356.

Submission:

Ambry Genetics
Classification: Uncertain significance for Hereditary cancer-predisposing syndrome. Last evaluated: 2026-07-07. Review status: criteria provided, single submitter. Criteria: Ambry Variant Classification Scheme 2023. Collection method: clinical testing. Allele origin: germline.
Comment: The p.I210N variant (also known as c.629T>A), located in coding exon 6 of the BMPR1A gene, results from a T to A substitution at nucleotide position 629. The isoleucine at codon 210 is replaced by asparagine, an amino acid with dissimilar properties. This amino acid position is conserved. In addition, this alteration is predicted to be deleterious by in silico analysis. Based on the available evidence, the clinical significance of this variant remains unclear.